The following is an entry in ClinVar:

ClinVar aggregate classification (germline): Uncertain significance (1 of 4 stars; one submission).

Conditions:
Cardiovascular phenotype. Identifiers: MedGen CN230736.

Submission:

Ambry Genetics
Classification: Uncertain significance for Cardiovascular phenotype. Last evaluated: 2024-12-07. Review status: criteria provided, single submitter. Criteria: Ambry Variant Classification Scheme 2023. Collection method: clinical testing. Allele origin: germline.
Comment: The p.S380T variant (also known as c.1138T>A), located in coding exon 15 of the TRDN gene, results from a T to A substitution at nucleotide position 1138. The serine at codon 380 is replaced by threonine, an amino acid with similar properties. This amino acid position is conserved. In addition, this alteration is predicted to be tolerated by in silico analysis. Based on the available evidence, the clinical significance of this variant remains unclear.

NM_006073.4(TRDN):c.1138T>A (p.Ser380Thr)

Gene: TRDN (triadin; minus strand). Cytogenetic location: 6q22.31.
Variant type: single nucleotide variant.
Coding change: c.1138T>A on transcript NM_006073.4 (MANE Select); coding-DNA position 1138, T replaced by A.
Protein change: p.Ser380Thr; replaces serine 380 with threonine.
Molecular consequence: missense variant.
Genome position (GRCh38, 1-based): chr6:123,382,145, A>T on the plus strand (T>A on the coding strand, the complement: TRDN is on the minus strand). VCF-style: chr6-123382145-A-T. GRCh37 (hg19) VCF-style: chr6-123703290-A-T.
Other names: c.1141T>A, p.Ser381Thr (NM_001251987.2); c.1081T>A, p.Ser361Thr (NM_001407315.1); short protein forms S361T, S380T, S381T.
Identifiers: ClinVar variation 3461010 (VCV003461010.1).
Genomic context (GRCh38, chr6:123,382,145, plus strand): 5'-CATAAGGCAGAAAAAAAGAAATATGTCCAGTACCTTCTGCAGGTTTTTTTGTTTTCTTGG[A>T]ATCTGAAAACACAAAGATAAATTATTAATAAAACAGATACAATAAATCAACAGCTGATCA-3'
Protein context (NP_006064.2, residues 370-390): AAKKDEKKED[Ser380Thr]KKTKKPAEVE